The following is an entry in ClinVar:

ClinVar aggregate classification (germline): Likely benign (1 of 4 stars; one submission).

Conditions:
RREB1-related disorder. Also called: RREB1-related condition.

gnomAD v4.1: 15 of 1,591,332 alleles (0.00094%); highest among the groups gnomAD compares: African/African-American, 0.0027%; no homozygotes.

Submission:

PreventionGenetics, part of Exact Sciences
Classification: Likely benign for RREB1-related condition. Last evaluated: 2024-10-04. Review status: criteria provided, single submitter. Criteria: ACMG Guidelines, 2015. Collection method: clinical testing. Allele origin: germline.
Comment: This variant is classified as likely benign based on ACMG/AMP sequence variant interpretation guidelines (Richards et al. 2015 PMID: 25741868, with internal and published modifications).

NM_001003699.4(RREB1):c.4536G>A (p.Pro1512=)

Gene: RREB1 (ras responsive element binding protein 1; plus strand). Cytogenetic location: 6p24.3.
Variant type: single nucleotide variant.
Coding change: c.4536G>A on transcript NM_001003699.4 (MANE Select); coding-DNA position 4536, G replaced by A.
Protein change: p.Pro1512=; no amino-acid change (proline 1512 retained).
Molecular consequence: synonymous variant. On other transcripts: intron variant (1).
Genome position (GRCh38, 1-based): chr6:7,246,986, G>A. VCF-style: chr6-7246986-G-A. GRCh37 (hg19) VCF-style: chr6-7247219-G-A.
Other names: c.4371G>A, p.Pro1457= (NM_001003698.4, NM_001168344.2); c.3974-1525G>A (NM_001003700.2).
Identifiers: ClinVar variation 4990390 (VCV004990390.1).